The following is an entry in ClinVar:

NM_005477.3(HCN4):c.2797G>A (p.Ala933Thr)

Gene: HCN4 (hyperpolarization activated cyclic nucleotide gated potassium channel 4; minus strand). Cytogenetic location: 15q24.1.
Variant type: single nucleotide variant.
Coding change: c.2797G>A on transcript NM_005477.3 (MANE Select); coding-DNA position 2797, G replaced by A.
Protein change: p.Ala933Thr; replaces alanine 933 with threonine.
Molecular consequence: missense variant.
Genome position (GRCh38, 1-based): chr15:73,323,296, C>T on the plus strand (G>A on the coding strand, the complement: HCN4 is on the minus strand). VCF-style: chr15-73323296-C-T. GRCh37 (hg19) VCF-style: chr15-73615637-C-T.
Other names: short protein forms A933T.
Identifiers: ClinVar variation 649666 (VCV000649666.12), dbSNP rs762464413, ClinGen allele CA7648953.
Genomic context (GRCh38, chr15:73,323,296, plus strand): 5'-CCAGGCCTCCCCGGGCCCCGGGTGGCGCGGGAGATGGCTGGGCAGCCTGCGGGGAGCGGG[C>T]GCCTGGCTGCAGCGGGGTGAGCAGGGGAGAGTCGGAGGAGGACAGGGAGCCACCCAGCGC-3'
Protein context (NP_005468.1, residues 923-943): SPLLTPLQPG[Ala933Thr]RSPQAAQPSP

ClinVar aggregate classification (germline): Uncertain significance. Review status: criteria provided, multiple submitters, no conflicts (2 of 4 stars). 5 submissions from 5 submitters: Uncertain significance (5). Last evaluated 2026-02-07.

Conditions:
Cardiovascular phenotype. Identifiers: MedGen CN230736.
Brugada syndrome 8 (BRGDA8). Identifiers: Orphanet 130, MedGen C2751083, MONDO:0013148, OMIM 613123.

Allele frequency attached by ClinVar (database versions not stated): gnomAD 0.00002 and 0.00004; gnomAD exomes 0.00004; ExAC 0.00006; TOPMed 0.00007.

Submissions (5):

Women's Health and Genetics/Laboratory Corporation of America, LabCorp
Classification: Uncertain significance. Last evaluated: 2026-02-07. Review status: criteria provided, single submitter. Criteria: LabCorp Variant Classification Summary - May 2015. Collection method: clinical testing. Allele origin: germline.

Labcorp Genetics (formerly Invitae), Labcorp
Classification: Uncertain significance for Brugada syndrome 8. Last evaluated: 2025-08-05. Review status: criteria provided, single submitter. Criteria: Invitae Variant Classification Sherloc (09022015). Collection method: clinical testing. Allele origin: germline.
Comment: This sequence change replaces alanine, which is neutral and non-polar, with threonine, which is neutral and polar, at codon 933 of the HCN4 protein (p.Ala933Thr). The frequency data for this variant in the population databases is considered unreliable, as metrics indicate poor data quality at this position in the gnomAD database. This variant has not been reported in the literature in individuals affected with HCN4-related conditions. ClinVar contains an entry for this variant (Variation ID: 649666). Invitae Evidence Modeling of protein sequence and biophysical properties (such as structural, functional, and spatial information, amino acid conservation, physicochemical variation, residue mobility, and thermodynamic stability) indicates that this missense variant is not expected to disrupt HCN4 protein function with a negative predictive value of 95%. In summary, the available evidence is currently insufficient to determine the role of this variant in disease. Therefore, it has been classified as a Variant of Uncertain Significance.

Ambry Genetics
Classification: Uncertain significance for Cardiovascular phenotype. Last evaluated: 2025-01-22. Review status: criteria provided, single submitter. Criteria: Ambry Variant Classification Scheme 2023. Collection method: clinical testing. Allele origin: germline.

GeneDx
Classification: Uncertain significance. Last evaluated: 2024-10-03. Review status: criteria provided, single submitter. Criteria: GeneDx Variant Classification Process June 2021. Collection method: clinical testing. Allele origin: germline. Affected: yes.
Comment: Has not been previously published as pathogenic or benign to our knowledge; In silico analysis indicates that this missense variant does not alter protein structure/function

Blueprint Genetics
Classification: Uncertain significance. Last evaluated: 2023-05-11. Review status: criteria provided, single submitter. Criteria: ACMG Guidelines, 2015. Collection method: clinical testing. Allele origin: germline.